The following is an entry in ClinVar:

NM_001163809.2(WDR81):c.3094G>A (p.Glu1032Lys)

Gene: WDR81 (WD repeat domain 81; plus strand). Cytogenetic location: 17p13.3.
Variant type: single nucleotide variant.
Coding change: c.3094G>A on transcript NM_001163809.2 (MANE Select); coding-DNA position 3094, G replaced by A.
Protein change: p.Glu1032Lys; replaces glutamic acid 1032 with lysine.
Molecular consequence: missense variant. On other transcripts: 5 prime UTR variant (1), intron variant (2).
Genome position (GRCh38, 1-based): chr17:1,728,053, G>A. VCF-style: chr17-1728053-G-A. GRCh37 (hg19) VCF-style: chr17-1631347-G-A.
Other names: c.-60G>A (NM_152348.4); c.59-2327G>A (NM_001163673.2); c.-14-2327G>A (NM_001163811.2); short protein forms E1032K.
Identifiers: ClinVar variation 4873068 (VCV004873068.2).

ClinVar aggregate classification (germline): Uncertain significance (1 of 4 stars; one submission).

Submission:

CeGaT Center for Human Genetics Tuebingen
Classification: Uncertain significance. Last evaluated: 2026-06-01. Review status: criteria provided, single submitter. Criteria: CeGaT Center For Human Genetics Tuebingen Variant Classification Criteria Version 2. Collection method: clinical testing. Allele origin: germline. Affected: yes. Observed: 1 variant allele.
Comment: WDR81: PM2